The following is an entry in ClinVar:

NM_000051.4(ATM):c.6583C>T (p.His2195Tyr)

Genes: ATM (ATM serine/threonine kinase; plus strand), C11orf65 (chromosome 11 open reading frame 65; minus strand). Cytogenetic location: 11q22.3.
Variant type: single nucleotide variant.
Coding change: c.6583C>T on transcript NM_000051.4 (MANE Select); coding-DNA position 6583, C replaced by T.
Protein change: p.His2195Tyr; replaces histidine 2195 with tyrosine.
Molecular consequence: missense variant. On other transcripts: intron variant (2).
Genome position (GRCh38, 1-based): chr11:108,325,320, C>T. VCF-style: chr11-108325320-C-T. GRCh37 (hg19) VCF-style: chr11-108196047-C-T.
Other names: c.6583C>T, p.His2195Tyr (NM_001351834.2); c.641-16249G>A (NM_001330368.2); c.*38+9900G>A (NM_001351110.2); short protein forms H2195Y.
Identifiers: ClinVar variation 216226 (VCV000216226.36), dbSNP rs780946471, ClinGen allele CA337541.
Genomic context (GRCh38, chr11:108,325,320, plus strand): 5'-TTTTTTTTTCATTTCTCTTGCTTACATGAACTCTATGTCGTGGCATTCAGATCAGTCACA[C>T]ATAGACAACTCTCTGAAGTATATATTAAGTGGCAGAAACACTCCCAGCTTCTCAAGGACA-3'
Protein context (NP_000042.3, residues 2185-2205): IGELFSRSVT[His2195Tyr]RQLSEVYIKW

ClinVar aggregate classification (germline): Conflicting classifications of pathogenicity. Review status: criteria provided, conflicting classifications (1 of 4 stars). 8 submissions from 8 submitters: Uncertain significance (6); Likely benign (1). 1 of the submissions does not count toward it. Last evaluated 2025-02-05.

Conditions:
Hereditary cancer-predisposing syndrome. Also called: Neoplastic Syndromes, Hereditary; Hereditary neoplastic syndrome; Tumor predisposition; Hereditary Cancer Syndrome. Identifiers: Orphanet 140162, MedGen C0027672, MeSH D009386, MONDO:0015356.
Ataxia-telangiectasia syndrome (AT). Also called: Ataxia telangiectasia (A-T); Cerebello-oculocutaneous telangiectasia; Immunodeficiency with ataxia telangiectasia; LOUIS-BAR SYNDROME; AT, COMPLEMENTATION GROUP C; ATAXIA-TELANGIECTASIA, FRESNO VARIANT. Identifiers: Orphanet 100, MedGen C0004135, MONDO:0008840, OMIM 208900.
Familial cancer of breast. Also called: hereditary breast carcinoma; Hereditary breast cancer; BREAST CANCER, FAMILIAL. Identifiers: Orphanet 227535, MedGen C0346153, MONDO:0016419, OMIM 114480. Disease mechanism: loss of function.

Allele frequency attached by ClinVar (database versions not stated): gnomAD exomes below 0.00001; ExAC 0.00001.
gnomAD v4.1: 3 of 1,549,486 alleles (0.00019%); highest among the groups gnomAD compares: Non-Finnish European, 0.00026%; no homozygotes.

Submissions (8):

Labcorp Genetics (formerly Invitae), Labcorp
Classification: Uncertain significance for Ataxia-telangiectasia syndrome. Last evaluated: 2025-02-05. Review status: criteria provided, single submitter. Criteria: Invitae Variant Classification Sherloc (09022015). Collection method: clinical testing. Allele origin: germline.
Comment: This sequence change replaces histidine, which is basic and polar, with tyrosine, which is neutral and polar, at codon 2195 of the ATM protein (p.His2195Tyr). This variant is present in population databases (rs780946471, gnomAD 0.0009%). This variant has not been reported in the literature in individuals affected with ATM-related conditions. ClinVar contains an entry for this variant (Variation ID: 216226). Invitae Evidence Modeling of protein sequence and biophysical properties (such as structural, functional, and spatial information, amino acid conservation, physicochemical variation, residue mobility, and thermodynamic stability) indicates that this missense variant is not expected to disrupt ATM protein function with a negative predictive value of 95%. In summary, the available evidence is currently insufficient to determine the role of this variant in disease. Therefore, it has been classified as a Variant of Uncertain Significance.

Ambry Genetics
Classification: Likely benign for Hereditary cancer-predisposing syndrome. Last evaluated: 2025-01-10. Review status: criteria provided, single submitter. Criteria: Ambry Variant Classification Scheme 2023. Collection method: clinical testing. Allele origin: germline.

Color Diagnostics, LLC DBA Color Health
Classification: Uncertain significance for Hereditary cancer-predisposing syndrome. Last evaluated: 2024-03-06. Review status: criteria provided, single submitter. Criteria: ACMG Guidelines, 2015. Collection method: clinical testing. Allele origin: germline.
Comment: This missense variant replaces histidine with tyrosine at codon 2195 of the ATM protein. Computational prediction suggests that this variant may not impact protein structure and function (internally defined REVEL score threshold <= 0.5, PMID: 27666373). To our knowledge, functional studies have not been reported for this variant. This variant has not been reported in individuals affected with hereditary cancer in the literature. This variant has been identified in 1/250562 chromosomes in the general population by the Genome Aggregation Database (gnomAD). The available evidence is insufficient to determine the role of this variant in disease conclusively. Therefore, this variant is classified as a Variant of Uncertain Significance.

Baylor Genetics
Classification: Uncertain significance for Familial cancer of breast. Last evaluated: 2024-01-19. Review status: criteria provided, single submitter. Criteria: ACMG Guidelines, 2015. Collection method: clinical testing. Allele origin: unknown.

GeneDx
Classification: Uncertain significance. Last evaluated: 2022-12-02. Review status: criteria provided, single submitter. Criteria: GeneDx Variant Classification Process June 2021. Collection method: clinical testing. Allele origin: germline. Affected: yes.
Comment: Not observed at significant frequency in large population cohorts (gnomAD); In silico analysis supports that this missense variant does not alter protein structure/function; Has not been previously published as pathogenic or benign to our knowledge; This variant is associated with the following publications: (PMID: 23532176, 31925297)

Institute for Clinical Genetics, University Hospital TU Dresden, University Hospital TU Dresden
Classification: Uncertain significance. Last evaluated: 2021-11-03. Review status: criteria provided, single submitter. Criteria: ACMG Guidelines, 2015. Collection method: clinical testing. Allele origin: germline.

Athena Diagnostics
Classification: Uncertain significance. Last evaluated: 2021-07-23. Review status: criteria provided, single submitter. Criteria: Athena Diagnostics Criteria. Collection method: clinical testing. Allele origin: unknown.

Natera, Inc.
Classification: Uncertain significance for Ataxia-telangiectasia. Last evaluated: 2021-04-19. Review status: no assertion criteria provided. Collection method: clinical testing. Allele origin: germline. Not counted in ClinVar's aggregate classification.